The following is an entry in ClinVar:

NM_001267550.2(TTN):c.61513G>A (p.Glu20505Lys)

Genes: TTN (titin; minus strand), TTN-AS1 (TTN antisense RNA 1; plus strand). Cytogenetic location: 2q31.2.
Variant type: single nucleotide variant.
Coding change: c.61513G>A on transcript NM_001267550.2 (MANE Select); coding-DNA position 61513, G replaced by A.
Protein change: p.Glu20505Lys; replaces glutamic acid 20505 with lysine.
Molecular consequence: missense variant.
Genome position (GRCh38, 1-based): chr2:178,590,212, C>T on the plus strand (G>A on the coding strand, the complement: TTN is on the minus strand). VCF-style: chr2-178590212-C-T. GRCh37 (hg19) VCF-style: chr2-179454939-C-T.
Other names: c.56590G>A, p.Glu18864Lys (NM_001256850.1); c.34318G>A, p.Glu11440Lys (NM_003319.4); c.53809G>A, p.Glu17937Lys (NM_133378.4); c.34693G>A, p.Glu11565Lys (NM_133432.3); c.34894G>A, p.Glu11632Lys (NM_133437.4); short protein forms E11440K, E11565K, E11632K, E17937K, E18864K, E20505K.
Identifiers: ClinVar variation 2651623 (VCV002651623.24), dbSNP rs2469426112, ClinGen allele CA349471948.

ClinVar aggregate classification (germline): Uncertain significance (1 of 4 stars; one submission).

Submission:

CeGaT Center for Human Genetics Tuebingen
Classification: Uncertain significance. Last evaluated: 2023-08-01. Review status: criteria provided, single submitter. Criteria: CeGaT Center For Human Genetics Tuebingen Variant Classification Criteria Version 2. Collection method: clinical testing. Allele origin: germline. Affected: yes. Observed: 1 variant allele.
Comment: TTN: PM2, BP4